The following is an entry in ClinVar:

NM_000093.5(COL5A1):c.4955-311C>T

Genes: COL5A1 (collagen type V alpha 1 chain; plus strand), LOC101448202 (uncharacterized LOC101448202; minus strand). Cytogenetic location: 9q34.3.
Variant type: single nucleotide variant.
Coding change: c.4955-311C>T on transcript NM_000093.5 (MANE Select); 311 bases into the intron before coding-DNA position 4955, C replaced by T.
Molecular consequence: intron variant.
Genome position (GRCh38, 1-based): chr9:134,825,481, C>T. VCF-style: chr9-134825481-C-T. GRCh37 (hg19) VCF-style: chr9-137717327-C-T.
Other names: c.4955-311C>T (NM_001278074.1).
Identifiers: ClinVar variation 683403 (VCV000683403.1), dbSNP rs56195655, ClinGen allele CA12975206.

ClinVar aggregate classification (germline): Benign (1 of 4 stars; one submission).

Allele frequency attached by ClinVar (database versions not stated): 1000 Genomes Project 30x 0.17255; 1000 Genomes Project 0.17891; TOPMed 0.19434; gnomAD 0.20073 and 0.20180.
gnomAD v4.1: 30,663 of 152,102 alleles (20%); highest among the groups gnomAD compares: Admixed American, 26%; 3,528 homozygotes.

Submission:

GeneDx
Classification: Benign. Last evaluated: 2018-06-18. Review status: criteria provided, single submitter. Criteria: GeneDx Variant Classification (06012015). Collection method: clinical testing. Allele origin: germline. Affected: yes.
Comment: This variant is considered likely benign or benign based on one or more of the following criteria: it is a conservative change, it occurs at a poorly conserved position in the protein, it is predicted to be benign by multiple in silico algorithms, and/or has population frequency not consistent with disease.